The following is an entry in ClinVar:

NM_015102.5(NPHP4):c.1469T>C (p.Leu490Pro)

Gene: NPHP4 (nephrocystin 4; minus strand). Cytogenetic location: 1p36.31.
Variant type: single nucleotide variant.
Coding change: c.1469T>C on transcript NM_015102.5 (MANE Select); coding-DNA position 1469, T replaced by C.
Protein change: p.Leu490Pro; replaces leucine 490 with proline.
Molecular consequence: missense variant. On other transcripts: non-coding transcript variant (1), intron variant (2).
Genome position (GRCh38, 1-based): chr1:5,909,186, A>G on the plus strand (T>C on the coding strand, the complement: NPHP4 is on the minus strand). VCF-style: chr1-5909186-A-G. GRCh37 (hg19) VCF-style: chr1-5969246-A-G.
Other names: c.76-3403T>C (NM_001291594.2); c.76-3406T>C (NM_001291593.2); short protein forms L490P.
Identifiers: ClinVar variation 1525561 (VCV001525561.8), dbSNP rs537135377, ClinGen allele CA17126033.

ClinVar aggregate classification (germline): Uncertain significance (1 of 4 stars; one submission).

Conditions:
Nephronophthisis. Also called: Juvenile Nephronophthisis. Identifiers: Orphanet 655, MedGen C0687120, MONDO:0019005, HP:0000090.

Allele frequency attached by ClinVar (database versions not stated): gnomAD 0.00001; 1000 Genomes Project 30x 0.00016; 1000 Genomes Project 0.00020.

Submission:

Labcorp Genetics (formerly Invitae), Labcorp
Classification: Uncertain significance for Nephronophthisis. Last evaluated: 2024-02-24. Review status: criteria provided, single submitter. Criteria: Invitae Variant Classification Sherloc (09022015). Collection method: clinical testing. Allele origin: germline.
Comment: This sequence change replaces leucine, which is neutral and non-polar, with proline, which is neutral and non-polar, at codon 490 of the NPHP4 protein (p.Leu490Pro). This variant is not present in population databases (gnomAD no frequency). This variant has not been reported in the literature in individuals affected with NPHP4-related conditions. ClinVar contains an entry for this variant (Variation ID: 1525561). Advanced modeling of protein sequence and biophysical properties (such as structural, functional, and spatial information, amino acid conservation, physicochemical variation, residue mobility, and thermodynamic stability) performed at Invitae indicates that this missense variant is not expected to disrupt NPHP4 protein function with a negative predictive value of 80%. In summary, the available evidence is currently insufficient to determine the role of this variant in disease. Therefore, it has been classified as a Variant of Uncertain Significance.